The following is an entry in ClinVar:

ClinVar aggregate classification (germline): Pathogenic (1 of 4 stars; one submission).

Conditions:
Autosomal recessive congenital ichthyosis 1 (LI1). Also called: COLLODION FETUS; DESQUAMATION OF NEWBORN; ICHTHYOSIS CONGENITA; ICHTHYOSIS CONGENITA II; LAMELLAR EXFOLIATION OF NEWBORN; ICHTHYOSIS, CONGENITAL, AUTOSOMAL RECESSIVE 1, WITH BATHING SUIT DISTRIBUTION. Identifiers: MedGen C4551630, MONDO:0009441, OMIM 242300.

Submission:

Myriad Genetics, Inc.
Classification: Pathogenic for Autosomal recessive congenital ichthyosis 1. Last evaluated: 2025-08-24. Review status: criteria provided, single submitter. Criteria: Myriad Autosomal Dominant, Autosomal Recessive and X-Linked Classification Criteria (2023). Collection method: clinical testing. Allele origin: unknown.
Comment: NM_000359.2(TGM1):c.1120delT(Y374Mfs*10) is expected to be pathogenic in the context of TGM1-related autosomal recessive congenital ichthyosis. This variant is predicted to lead to an abnormal or absent protein product due to the creation of a premature termination codon in TGM1, a gene where loss-of-function variants are known to be pathogenic. Please note: this variant was assessed in the context of healthy population screening.

NM_000359.3(TGM1):c.1120del (p.Tyr374fs)

Gene: TGM1 (transglutaminase 1; minus strand). Cytogenetic location: 14q12.
Variant type: Deletion.
Coding change: c.1120del on transcript NM_000359.3 (MANE Select); coding-DNA position 1120, one base deleted (T; older notation c.1120delT).
Protein change: p.Tyr374fs; shifts the reading frame from tyrosine 374.
Molecular consequence: frameshift variant.
Genome position (GRCh38, 1-based): chr14:24,259,114, A deleted on the plus strand (T on the coding strand, the reverse complement: TGM1 is on the minus strand). VCF-style (leftmost placement, unchanged base first): chr14-24259113-TA-T. GRCh37 (hg19) VCF-style: chr14-24728319-TA-T.
Other names: short protein forms Y374fs.
Identifiers: ClinVar variation 5014911 (VCV005014911.1).
Genomic context (GRCh38, chr14:24,259,113, plus strand): 5'-CCTGTCCCAGTCCCTCCACTACCTGTGGTGGTCACGCCAGCAAAGACCCAGCACTGGCCA[TA>T]GGGGACGGAATATCCCGTGCGTAGGTAGCTAAGCAGGATCTCCACGCTGCCCACCCACGC-3'